The following is an entry in ClinVar:

NM_001458.5(FLNC):c.280C>T (p.Gln94Ter)

Gene: FLNC (filamin C; plus strand). Cytogenetic location: 7q32.1.
Variant type: single nucleotide variant.
Coding change: c.280C>T on transcript NM_001458.5 (MANE Select); coding-DNA position 280, C replaced by T.
Protein change: p.Gln94Ter; replaces glutamine 94 with a stop codon.
Molecular consequence: nonsense.
Genome position (GRCh38, 1-based): chr7:128,830,917, C>T. VCF-style: chr7-128830917-C-T. GRCh37 (hg19) VCF-style: chr7-128470971-C-T.
Other names: c.280C>T, p.Gln94Ter (NM_001127487.2); short protein forms Q94*.
Identifiers: ClinVar variation 3757055 (VCV003757055.2).

ClinVar aggregate classification (germline): Pathogenic (1 of 4 stars; one submission).

Conditions:
Distal myopathy with posterior leg and anterior hand involvement. Also called: WILLIAMS DISTAL MYOPATHY. Identifiers: Orphanet 63273, MedGen C3279722, MONDO:0013550, OMIM 614065.
Hypertrophic cardiomyopathy 26. Also called: Cardiomyopathy, familial hypertrophic, 26. Identifiers: Orphanet 75249, MedGen C4310749, MONDO:0014883, OMIM 617047.
Myofibrillar myopathy 5. Also called: Filaminopathy (type); FILAMINOPATHY, AUTOSOMAL DOMINANT. Identifiers: Orphanet 171445, MedGen C1836050, MONDO:0012289, OMIM 609524.

gnomAD v4.1: 1 of 1,613,076 alleles (0.000062%); highest among the groups gnomAD compares: Admixed American, 0.0017%; no homozygotes.

Submission:

Labcorp Genetics (formerly Invitae), Labcorp
Classification: Pathogenic for Distal myopathy with posterior leg and anterior hand involvement; Myofibrillar myopathy 5; Hypertrophic cardiomyopathy 26. Last evaluated: 2024-06-30. Review status: criteria provided, single submitter. Criteria: Invitae Variant Classification Sherloc (09022015). Collection method: clinical testing. Allele origin: germline.
Comment: This sequence change creates a premature translational stop signal (p.Gln94*) in the FLNC gene. It is expected to result in an absent or disrupted protein product. Loss-of-function variants in FLNC are known to be pathogenic (PMID: 27908349). This variant is not present in population databases (gnomAD no frequency). This variant has not been reported in the literature in individuals affected with FLNC-related conditions. For these reasons, this variant has been classified as Pathogenic.

Literature cited by the submitters: PubMed 27908349.